The following is an entry in ClinVar:

NM_001267550.2(TTN):c.91563dup (p.Val30522fs)

Genes: TTN (titin; minus strand), TTN-AS1 (TTN antisense RNA 1; plus strand). Cytogenetic location: 2q31.2.
Variant type: Duplication.
Coding change: c.91563dup on transcript NM_001267550.2 (MANE Select); coding-DNA position 91563, one base duplicated (T; older notation c.91563dupT).
Protein change: p.Val30522fs; shifts the reading frame from valine 30522.
Molecular consequence: frameshift variant.
Genome position (GRCh38, 1-based): chr2:178,550,968, A duplicated on the plus strand (T on the coding strand, the reverse complement: TTN is on the minus strand). VCF-style (leftmost placement, unchanged base first): chr2-178550967-C-CA. GRCh37 (hg19) VCF-style: chr2-179415694-C-CA.
Other names: c.86640dup, p.Val28881fs (NM_001256850.1); c.64368dup, p.Val21457fs (NM_003319.4); c.83859dup, p.Val27954fs (NM_133378.4); c.64743dup, p.Val21582fs (NM_133432.3); c.64944dup, p.Val21649fs (NM_133437.4); short protein forms V21457fs, V21582fs, V21649fs, V27954fs, V28881fs, V30522fs.
Identifiers: ClinVar variation 3759240 (VCV003759240.2).
Genomic context (GRCh38, chr2:178,550,967, plus strand): 5'-TGTGTTTTTTAAAAATGTGAATGCTCTTAGTCTCATTGGAAATAAGTTGTAAATGCTTAC[C>CA]ATTTTCATCTCTTGTCATAATAATGCCAGAAGACTGTGAGGGCGGGCTTATAGTTCCAAC-3'

ClinVar aggregate classification (germline): Likely pathogenic (1 of 4 stars; one submission).

Conditions:
Dilated cardiomyopathy 1G (CMD1G). Identifiers: Orphanet 154, MedGen C1858763, MONDO:0011400, OMIM 604145.
Autosomal recessive limb-girdle muscular dystrophy type 2J (LGMDR10). Also called: Limb-girdle muscular dystrophy, type 2J; MUSCULAR DYSTROPHY, LIMB-GIRDLE, AUTOSOMAL RECESSIVE 10. Identifiers: Orphanet 140922, MedGen C1837342, MONDO:0012127, OMIM 608807.

Submission:

Labcorp Genetics (formerly Invitae), Labcorp
Classification: Likely pathogenic for Dilated cardiomyopathy 1G; Autosomal recessive limb-girdle muscular dystrophy type 2J. Last evaluated: 2024-09-26. Review status: criteria provided, single submitter. Criteria: Invitae Variant Classification Sherloc (09022015). Collection method: clinical testing. Allele origin: germline.
Comment: This sequence change creates a premature translational stop signal (p.Val30522Cysfs*10) in the TTN gene. While this is not anticipated to result in nonsense mediated decay, it is expected to create a truncated TTN protein. This variant is not present in population databases (gnomAD no frequency). This variant has not been reported in the literature in individuals affected with TTN-related conditions. This variant is located in the A band of TTN (PMID: 25589632). Truncating variants in this region are significantly overrepresented in patients affected with dilated cardiomyopathy (PMID: 25589632). Truncating variants in this region have also been reported in individuals affected with autosomal recessive centronuclear myopathy (PMID: 23975875). In summary, the currently available evidence indicates that the variant is pathogenic, but additional data are needed to prove that conclusively. Therefore, this variant has been classified as Likely Pathogenic.

Literature cited by the submitters: PubMed 25589632; PubMed 23975875.